The following is an entry in ClinVar:

NM_001351132.2(PEX5):c.195A>C (p.Glu65Asp)

Gene: PEX5 (peroxisomal biogenesis factor 5; plus strand). Cytogenetic location: 12p13.31.
Variant type: single nucleotide variant.
Coding change: c.195A>C on transcript NM_001351132.2 (MANE Select); coding-DNA position 195, A replaced by C.
Protein change: p.Glu65Asp; replaces glutamic acid 65 with aspartic acid.
Molecular consequence: missense variant.
Genome position (GRCh38, 1-based): chr12:7,191,237, A>C. VCF-style: chr12-7191237-A-C. GRCh37 (hg19) VCF-style: chr12-7343833-A-C.
Other names: c.195A>C, p.Glu65Asp (NM_000319.5, NM_001131024.2, NM_001131025.2 and 19 more transcripts); c.240A>C, p.Glu80Asp (NM_001131023.2, NM_001351135.3, NM_001351138.2); c.195A>C (NM_001131025.1); short protein forms E65D, E80D.
Identifiers: ClinVar variation 598356 (VCV000598356.11), dbSNP rs147730752, ClinGen allele CA6426060.
Genomic context (GRCh38, chr12:7,191,237, plus strand): 5'-TGGGGCCTCCCAAGCCTATGGGTTCATTTCATCATTTCCCTTCTGGCAGTTGGTGGCTGA[A>C]TTCCTGCAGGACCAGAATGCACCCCTTGTGTCCCGTGCCCCTCAGACCTTCAAGATGGAT-3'
Protein context (NP_001338061.1, residues 55-75): GVASEDELVA[Glu65Asp]FLQDQNAPLV

ClinVar aggregate classification (germline): Uncertain significance. Review status: criteria provided, multiple submitters, no conflicts (2 of 4 stars). 4 submissions from 4 submitters: Uncertain significance (4). Last evaluated 2023-07-05.

Conditions:
Inborn genetic diseases. Identifiers: MedGen C0950123, MeSH D030342.
Peroxisome biogenesis disorder 2B (PBD2B). Identifiers: Orphanet 44, MedGen C3550234, MONDO:0008736, OMIM 202370.

Allele frequency attached by ClinVar (database versions not stated): gnomAD exomes 0.00001 and 0.00002; ExAC 0.00002; TOPMed 0.00006; gnomAD 0.00009 and 0.00010; ESP Exome Variant Server 0.00031.
gnomAD v4.1: 19 of 1,614,014 alleles (0.0012%); highest among the groups gnomAD compares: African/African-American, 0.024%; no homozygotes.

Submissions (4):

Ambry Genetics
Classification: Uncertain significance for Inborn genetic diseases. Last evaluated: 2023-07-05. Review status: criteria provided, single submitter. Criteria: Ambry Variant Classification Scheme 2023. Collection method: clinical testing. Allele origin: germline.

Blueprint Genetics
Classification: Uncertain significance. Last evaluated: 2022-10-13. Review status: criteria provided, single submitter. Criteria: ACMG Guidelines, 2015. Collection method: clinical testing. Allele origin: germline.

Labcorp Genetics (formerly Invitae), Labcorp
Classification: Uncertain significance for Peroxisome biogenesis disorder 2B. Last evaluated: 2022-05-07. Review status: criteria provided, single submitter. Criteria: Invitae Variant Classification Sherloc (09022015). Collection method: clinical testing. Allele origin: germline.
Comment: This sequence change replaces glutamic acid, which is acidic and polar, with aspartic acid, which is acidic and polar, at codon 65 of the PEX5 protein (p.Glu65Asp). This variant is present in population databases (rs147730752, gnomAD 0.02%). This variant has not been reported in the literature in individuals affected with PEX5-related conditions. ClinVar contains an entry for this variant (Variation ID: 598356). Algorithms developed to predict the effect of missense changes on protein structure and function are either unavailable or do not agree on the potential impact of this missense change (SIFT: "Tolerated"; PolyPhen-2: "Possibly Damaging"; Align-GVGD: "Class C0"). In summary, the available evidence is currently insufficient to determine the role of this variant in disease. Therefore, it has been classified as a Variant of Uncertain Significance.

Eurofins Ntd Llc (ga)
Classification: Uncertain significance. Last evaluated: 2018-08-10. Review status: criteria provided, single submitter. Criteria: EGL ClinVar v180209 classification definitions. Collection method: clinical testing. Allele origin: germline. Observed: 1 variant allele, 1 heterozygote.